The following is an entry in ClinVar:

NM_006017.3(PROM1):c.2596T>G (p.Ter866Gly)

Gene: PROM1 (prominin 1; minus strand). Cytogenetic location: 4p15.32.
Variant type: single nucleotide variant.
Coding change: c.2596T>G on transcript NM_006017.3 (MANE Select); coding-DNA position 2596, T replaced by G.
Protein change: p.Ter866Gly.
Molecular consequence: stop lost.
Genome position (GRCh38, 1-based): chr4:15,971,069, A>C on the plus strand (T>G on the coding strand, the complement: PROM1 is on the minus strand). VCF-style: chr4-15971069-A-C. GRCh37 (hg19) VCF-style: chr4-15972692-A-C.
Other names: c.2569T>G, p.Ter857Gly (NM_001145847.2, NM_001145848.2, NM_001371406.1); c.2527T>G, p.Ter843Gly (NM_001145849.2); c.2503T>G, p.Ter835Gly (NM_001145850.2); c.2500T>G, p.Ter834Gly (NM_001145851.2); c.2476T>G, p.Ter826Gly (NM_001145852.2, NM_001371407.1, NM_001371408.1).
Identifiers: ClinVar variation 1043112 (VCV001043112.6), dbSNP rs778935197, ClinGen allele CA2866290.

ClinVar aggregate classification (germline): Uncertain significance (1 of 4 stars; one submission).

Allele frequency attached by ClinVar (database versions not stated): ExAC below 0.00001; gnomAD exomes 0.00001; gnomAD 0.00003 and 0.00004; TOPMed 0.00009.
gnomAD v4.1: 17 of 1,580,932 alleles (0.0011%); highest among the groups gnomAD compares: Admixed American, 0.0071%; no homozygotes.

Submission:

Labcorp Genetics (formerly Invitae), Labcorp
Classification: Uncertain significance. Last evaluated: 2025-08-29. Review status: criteria provided, single submitter. Criteria: Invitae Variant Classification Sherloc (09022015). Collection method: clinical testing. Allele origin: germline.
Comment: This sequence change disrupts the translational stop signal of the PROM1 mRNA. It is expected to extend the length of the PROM1 protein by 1 additional amino acid residues. This variant is present in population databases (rs778935197, gnomAD 0.007%). This variant has not been reported in the literature in individuals affected with PROM1-related conditions. ClinVar contains an entry for this variant (Variation ID: 1043112). Experimental studies and prediction algorithms are not available or were not evaluated, and the functional significance of this variant is currently unknown. In summary, the available evidence is currently insufficient to determine the role of this variant in disease. Therefore, it has been classified as a Variant of Uncertain Significance.